The following is an entry in ClinVar:

NM_001457.4(FLNB):c.4972A>G (p.Thr1658Ala)

Gene: FLNB (filamin B; plus strand). Cytogenetic location: 3p14.3.
Variant type: single nucleotide variant.
Coding change: c.4972A>G on transcript NM_001457.4 (MANE Select); coding-DNA position 4972, A replaced by G.
Protein change: p.Thr1658Ala; replaces threonine 1658 with alanine.
Molecular consequence: missense variant.
Genome position (GRCh38, 1-based): chr3:58,138,392, A>G. VCF-style: chr3-58138392-A-G. GRCh37 (hg19) VCF-style: chr3-58124119-A-G.
Other names: c.5065A>G, p.Thr1689Ala (NM_001164317.2); c.4972A>G, p.Thr1658Ala (NM_001164318.2, NM_001164319.2); short protein forms T1689A, T1658A.
Identifiers: ClinVar variation 3000483 (VCV003000483.3), dbSNP rs1230848798, ClinGen allele CA353352953.

ClinVar aggregate classification (germline): Uncertain significance (1 of 4 stars; one submission).

Allele frequency attached by ClinVar (database versions not stated): gnomAD 0.00001; TOPMed 0.00003.
gnomAD v4.1: 3 of 1,614,136 alleles (0.00019%); highest among the groups gnomAD compares: African/African-American, 0.0027%; no homozygotes.

Submission:

Labcorp Genetics (formerly Invitae), Labcorp
Classification: Uncertain significance. Last evaluated: 2022-10-25. Review status: criteria provided, single submitter. Criteria: Invitae Variant Classification Sherloc (09022015). Collection method: clinical testing. Allele origin: germline.
Comment: Advanced modeling of protein sequence and biophysical properties (such as structural, functional, and spatial information, amino acid conservation, physicochemical variation, residue mobility, and thermodynamic stability) performed at Invitae indicates that this missense variant is not expected to disrupt FLNB protein function. This variant has not been reported in the literature in individuals affected with FLNB-related conditions. This variant is present in population databases (no rsID available, gnomAD 0.003%). This sequence change replaces threonine, which is neutral and polar, with alanine, which is neutral and non-polar, at codon 1658 of the FLNB protein (p.Thr1658Ala). In summary, the available evidence is currently insufficient to determine the role of this variant in disease. Therefore, it has been classified as a Variant of Uncertain Significance.